The following is an entry in ClinVar:

NM_000051.4(ATM):c.8466_8479delinsC (p.Val2823fs)

Genes: ATM (ATM serine/threonine kinase; plus strand), C11orf65 (chromosome 11 open reading frame 65; minus strand). Cytogenetic location: 11q22.3.
Variant type: Indel.
Coding change: c.8466_8479delinsC on transcript NM_000051.4 (MANE Select); coding-DNA positions 8466 to 8479, TGTTTGCCAAAATT replaced by C.
Protein change: p.Val2823fs; shifts the reading frame from valine 2823.
Molecular consequence: frameshift variant. On other transcripts: intron variant (2).
Genome position (GRCh38, 1-based): chr11:108,345,790-108,345,803, TGTTTGCCAAAATT replaced by C. VCF-style: chr11-108345790-TGTTTGCCAAAATT-C. GRCh37 (hg19) VCF-style: chr11-108216517-TGTTTGCCAAAATT-C.
Other names: c.8466_8479delinsC, p.Val2823fs (NM_001351834.2); c.641-36732_641-36719delinsG (NM_001330368.2); c.695-10511_695-10498delinsG (NM_001351110.2); c.8466_8479del14insC (NM_000051.3); short protein forms V2823fs.
Identifiers: ClinVar variation 3148453 (VCV003148453.2), dbSNP rs2547443244, ClinGen allele CA2825001979.

ClinVar aggregate classification (germline): Pathogenic. Review status: criteria provided, multiple submitters, no conflicts (2 of 4 stars). 2 submissions from 2 submitters: Pathogenic (2). Last evaluated 2025-02-06.

Conditions:
Familial cancer of breast. Also called: hereditary breast carcinoma; BREAST CANCER, FAMILIAL; Hereditary breast cancer. Identifiers: Orphanet 227535, MedGen C0346153, MONDO:0016419, OMIM 114480. Disease mechanism: loss of function.
Hereditary cancer-predisposing syndrome. Also called: Tumor predisposition; Hereditary Cancer Syndrome; Hereditary neoplastic syndrome; Neoplastic Syndromes, Hereditary. Identifiers: Orphanet 140162, MedGen C0027672, MeSH D009386, MONDO:0015356.

Submissions (2):

Ambry Genetics
Classification: Pathogenic for Hereditary cancer-predisposing syndrome. Last evaluated: 2025-02-06. Review status: criteria provided, single submitter. Criteria: Ambry Variant Classification Scheme 2023. Collection method: clinical testing. Allele origin: germline.
Comment: The c.8466_8479del14insC pathogenic mutation, located in coding exon 57 of the ATM gene, results from the deletion of 14 nucleotides and insertion of one nucleotide causing a translational frameshift with a predicted alternate stop codon (p.V2823Ffs*30). This variant is considered to be rare based on population cohorts in the Genome Aggregation Database (gnomAD). This alteration is expected to result in loss of function by premature protein truncation or nonsense-mediated mRNA decay. As such, this alteration is interpreted as a disease-causing mutation.

Myriad Genetics, Inc.
Classification: Pathogenic for Familial cancer of breast. Last evaluated: 2024-02-02. Review status: criteria provided, single submitter. Criteria: Myriad Autosomal Dominant, Autosomal Recessive and X-Linked Classification Criteria (2023). Collection method: clinical testing. Allele origin: unknown.
Comment: This variant is considered pathogenic. This variant creates a frameshift predicted to result in premature protein truncation.